The following is an entry in ClinVar:

ClinVar aggregate classification (germline): Uncertain significance (1 of 4 stars; one submission).

Conditions:
DHPS-related disorder. Also called: DHPS-related condition.

gnomAD v4.1: 14 of 1,614,072 alleles (0.00087%); highest among the groups gnomAD compares: Admixed American, 0.0033%; no homozygotes.

Submission:

PreventionGenetics, part of Exact Sciences
Classification: Uncertain significance for DHPS-related condition. Last evaluated: 2025-06-02. Review status: criteria provided, single submitter. Criteria: ACMG Guidelines, 2015. Collection method: clinical testing. Allele origin: germline.
Comment: The DHPS c.540G>C variant is predicted to result in the amino acid substitution p.Glu180Asp. To our knowledge, this variant has not been reported in the literature. This variant is reported in 0.0058% of alleles in individuals of Latino descent in gnomAD. At this time, the clinical significance of this variant is uncertain due to the absence of conclusive functional and genetic evidence.

NM_001930.4(DHPS):c.540G>C (p.Glu180Asp)

Gene: DHPS (deoxyhypusine synthase; minus strand). Cytogenetic location: 19p13.13.
Variant type: single nucleotide variant.
Coding change: c.540G>C on transcript NM_001930.4 (MANE Select); coding-DNA position 540, G replaced by C.
Protein change: p.Glu180Asp; replaces glutamic acid 180 with aspartic acid.
Molecular consequence: missense variant. On other transcripts: 5 prime UTR variant (1), non-coding transcript variant (4).
Genome position (GRCh38, 1-based): chr19:12,679,674, C>G on the plus strand (G>C on the coding strand, the complement: DHPS is on the minus strand). VCF-style: chr19-12679674-C-G. GRCh37 (hg19) VCF-style: chr19-12790488-C-G.
Other names: c.414G>C, p.Glu138Asp (NM_001206974.2); c.540G>C, p.Glu180Asp (NM_001369691.1, NM_001369692.1, NM_013406.3); c.-10G>C (NM_001369693.1); short protein forms E180D, E138D.
Identifiers: ClinVar variation 4979055 (VCV004979055.1).